The following is an entry in ClinVar:

ClinVar aggregate classification (germline): Uncertain significance (1 of 4 stars; one submission).

Conditions:
Autosomal dominant childhood-onset proximal spinal muscular atrophy with contractures (SMALED2A). Also called: Spinal muscular atrophy, lower extremity-predominant, 2A, autosomal dominant; SPINAL MUSCULAR ATROPHY, LOWER EXTREMITY-PREDOMINANT, 2A, CHILDHOOD ONSET, AUTOSOMAL DOMINANT. Identifiers: Orphanet 363447, Orphanet 363454, MedGen C4747715, MONDO:0014121, OMIM 615290.

gnomAD v4.1: 7 of 1,606,536 alleles (0.00044%); highest among the groups gnomAD compares: Non-Finnish European, 0.00059%; no homozygotes.

Submission:

Labcorp Genetics (formerly Invitae), Labcorp
Classification: Uncertain significance for Autosomal dominant childhood-onset proximal spinal muscular atrophy with contractures. Last evaluated: 2025-03-26. Review status: criteria provided, single submitter. Criteria: Invitae Variant Classification Sherloc (09022015). Collection method: clinical testing. Allele origin: germline.
Comment: This sequence change replaces glutamic acid, which is acidic and polar, with glycine, which is neutral and non-polar, at codon 576 of the BICD2 protein (p.Glu576Gly). This variant is not present in population databases (gnomAD no frequency). This variant has not been reported in the literature in individuals affected with BICD2-related conditions. Invitae Evidence Modeling of protein sequence and biophysical properties (such as structural, functional, and spatial information, amino acid conservation, physicochemical variation, residue mobility, and thermodynamic stability) indicates that this missense variant is not expected to disrupt BICD2 protein function with a negative predictive value of 80%. In summary, the available evidence is currently insufficient to determine the role of this variant in disease. Therefore, it has been classified as a Variant of Uncertain Significance.

NM_001003800.2(BICD2):c.1727A>G (p.Glu576Gly)

Gene: BICD2 (BICD cargo adaptor 2; minus strand). Cytogenetic location: 9q22.31.
Variant type: single nucleotide variant.
Coding change: c.1727A>G on transcript NM_001003800.2 (MANE Select); coding-DNA position 1727, A replaced by G.
Protein change: p.Glu576Gly; replaces glutamic acid 576 with glycine.
Molecular consequence: missense variant.
Genome position (GRCh38, 1-based): chr9:92,718,918, T>C on the plus strand (A>G on the coding strand, the complement: BICD2 is on the minus strand). VCF-style: chr9-92718918-T-C. GRCh37 (hg19) VCF-style: chr9-95481200-T-C.
Other names: c.1727A>G, p.Glu576Gly (NM_015250.4); short protein forms E576G.
Identifiers: ClinVar variation 4811965 (VCV004811965.1).